The following is an entry in ClinVar:

NM_182961.4(SYNE1):c.8056G>A (p.Gly2686Ser)

Gene: SYNE1 (spectrin repeat containing nuclear envelope protein 1; minus strand). Cytogenetic location: 6q25.2.
Variant type: single nucleotide variant.
Coding change: c.8056G>A on transcript NM_182961.4 (MANE Select); coding-DNA position 8056, G replaced by A.
Protein change: p.Gly2686Ser; replaces glycine 2686 with serine.
Molecular consequence: missense variant.
Genome position (GRCh38, 1-based): chr6:152,390,401, C>T on the plus strand (G>A on the coding strand, the complement: SYNE1 is on the minus strand). VCF-style: chr6-152390401-C-T. GRCh37 (hg19) VCF-style: chr6-152711536-C-T.
Other names: c.8077G>A, p.Gly2693Ser (NM_033071.5); short protein forms G2686S, G2693S.
Identifiers: ClinVar variation 1463685 (VCV001463685.8), dbSNP rs146916975, ClinGen allele CA4057627.

ClinVar aggregate classification (germline): Uncertain significance (1 of 4 stars; one submission).

Conditions:
Autosomal recessive ataxia, Beauce type. Also called: SYNE1-Related Autosomal Recessive Cerebellar Ataxia; Spinocerebellar ataxia, autosomal recessive 8; ATAXIA, RECESSIVE, OF BEAUCE; SYNE1 Deficiency. Identifiers: Orphanet 88644, MedGen C1853116, MONDO:0012549, OMIM 610743.
Emery-Dreifuss muscular dystrophy 4, autosomal dominant (EDMD4). Also called: EMERY-DREIFUSS MUSCULAR DYSTROPHY 4 WITH VARIABLE FEATURES. Identifiers: Orphanet 261, MedGen C2751807, MONDO:0013071, OMIM 612998.

Allele frequency attached by ClinVar (database versions not stated): gnomAD exomes below 0.00001 and 0.00001; ExAC 0.00002; gnomAD 0.00003; TOPMed 0.00003; ESP Exome Variant Server 0.00008.
gnomAD v4.1: 8 of 1,614,012 alleles (0.0005%); highest among the groups gnomAD compares: African/African-American, 0.011%; no homozygotes.

Submission:

Labcorp Genetics (formerly Invitae), Labcorp
Classification: Uncertain significance for Emery-Dreifuss muscular dystrophy 4, autosomal dominant; Autosomal recessive ataxia, Beauce type. Last evaluated: 2021-07-26. Review status: criteria provided, single submitter. Criteria: Invitae Variant Classification Sherloc (09022015). Collection method: clinical testing. Allele origin: germline.
Comment: This sequence change replaces glycine with serine at codon 2693 of the SYNE1 protein (p.Gly2693Ser). The glycine residue is highly conserved and there is a small physicochemical difference between glycine and serine. This variant is present in population databases (rs146916975, ExAC 0.02%). This variant has not been reported in the literature in individuals affected with SYNE1-related conditions. Algorithms developed to predict the effect of missense changes on protein structure and function (SIFT, PolyPhen-2, Align-GVGD) all suggest that this variant is likely to be disruptive. In summary, the available evidence is currently insufficient to determine the role of this variant in disease. Therefore, it has been classified as a Variant of Uncertain Significance.